The following is an entry in ClinVar:

NM_153252.5(BRWD3):c.1489C>G (p.Arg497Gly)

Gene: BRWD3 (bromodomain and WD repeat domain containing 3; minus strand). Cytogenetic location: Xq21.1.
Variant type: single nucleotide variant.
Coding change: c.1489C>G on transcript NM_153252.5 (MANE Select); coding-DNA position 1489, C replaced by G.
Protein change: p.Arg497Gly; replaces arginine 497 with glycine.
Molecular consequence: missense variant.
Genome position (GRCh38, 1-based): chrX:80,724,965, G>C on the plus strand (C>G on the coding strand, the complement: BRWD3 is on the minus strand). VCF-style: chrX-80724965-G-C. GRCh37 (hg19) VCF-style: chrX-79980464-G-C.
Other names: short protein forms R497G.
Identifiers: ClinVar variation 2506757 (VCV002506757.3), dbSNP rs1440107192, ClinGen allele CA413635077.

ClinVar aggregate classification (germline): Uncertain significance (1 of 4 stars; one submission).

Submission:

GeneDx
Classification: Uncertain significance. Last evaluated: 2025-10-14. Review status: criteria provided, single submitter. Criteria: GeneDx Variant Classification Process June 2021. Collection method: clinical testing. Allele origin: germline. Affected: yes.
Comment: Not observed at significant frequency in large population cohorts (gnomAD); In silico analysis supports that this missense variant has a deleterious effect on protein structure/function; Has not been previously published as pathogenic or benign to our knowledge